The following is an entry in ClinVar:

ClinVar aggregate classification (germline): Uncertain significance. Review status: criteria provided, single submitter (1 of 4 stars). 2 submissions from 1 submitter: Uncertain significance (1). 1 of the submissions does not count toward it. Last evaluated 2016-01-01.

Conditions:
Hereditary spherocytosis type 1. Also called: Spherocytosis type 1; ANK1-Related Spherocytosis. Identifiers: Orphanet 822, MedGen C2674218, MONDO:0008447, OMIM 182900.
Anemia. Also called: Anemia (disease). Identifiers: MedGen C0002871, MONDO:0002280, HP:0001903.

Submissions (2):

Centre for Mendelian Genomics, University Medical Centre Ljubljana
Classification: Uncertain significance for Hereditary spherocytosis type 1. Last evaluated: 2016-01-01. Review status: criteria provided, single submitter. Criteria: ACMG Guidelines, 2015. Collection method: clinical testing. Allele origin: unknown. Affected: yes.
Comment: This variant was classified as: Uncertain significance.

Centre for Mendelian Genomics, University Medical Centre Ljubljana
Classification: Uncertain significance for Anemia. Last evaluated: 2016-05-16. Review status: no assertion criteria provided. Collection method: clinical testing. Allele origin: unknown. Affected: yes. Not counted in ClinVar's aggregate classification.

NM_000037.4(ANK1):c.1948A>G (p.Met650Val)

Gene: ANK1 (ankyrin 1; minus strand). Cytogenetic location: 8p11.21.
Variant type: single nucleotide variant.
Coding change: c.1948A>G on transcript NM_000037.4 (MANE Select); coding-DNA position 1948, A replaced by G.
Protein change: p.Met650Val; replaces methionine 650 with valine.
Molecular consequence: missense variant.
Genome position (GRCh38, 1-based): chr8:41,708,828, T>C on the plus strand (A>G on the coding strand, the complement: ANK1 is on the minus strand). VCF-style: chr8-41708828-T-C. GRCh37 (hg19) VCF-style: chr8-41566346-T-C.
Other names: c.2047A>G, p.Met683Val (NM_001142446.2); c.1948A>G, p.Met650Val (NM_020475.3, NM_020476.3, NM_020477.3); short protein forms M683V, M650V.
Identifiers: ClinVar variation 373944 (VCV000373944.4), dbSNP rs1057518790, ClinGen allele CA16043433.